The following is an entry in ClinVar:

ClinVar aggregate classification (germline): Uncertain significance (1 of 4 stars; one submission).

Conditions:
Inborn genetic diseases. Identifiers: MedGen C0950123, MeSH D030342.

Allele frequency attached by ClinVar (database versions not stated): gnomAD exomes below 0.00001.
gnomAD v4.1: 3 of 1,573,808 alleles (0.00019%); highest among the groups gnomAD compares: Non-Finnish European, 0.000086%; no homozygotes.

Submission:

Ambry Genetics
Classification: Uncertain significance for Inborn genetic diseases. Last evaluated: 2024-01-19. Review status: criteria provided, single submitter. Criteria: Ambry Variant Classification Scheme 2023. Collection method: clinical testing. Allele origin: germline.
Comment: The p.I352V variant (also known as c.1054A>G), located in coding exon 9 of the ACD gene, results from an A to G substitution at nucleotide position 1054. The isoleucine at codon 352 is replaced by valine, an amino acid with highly similar properties. This amino acid position is conserved. In addition, this alteration is predicted to be tolerated by in silico analysis. Since supporting evidence is limited at this time, the clinical significance of this alteration remains unclear.

NM_001082486.2(ACD):c.796A>G (p.Ile266Val)

Gene: ACD (ACD shelterin complex subunit and telomerase recruitment factor; minus strand). Cytogenetic location: 16q22.1.
Variant type: single nucleotide variant.
Coding change: c.796A>G on transcript NM_001082486.2 (MANE Select); coding-DNA position 796, A replaced by G.
Protein change: p.Ile266Val; replaces isoleucine 266 with valine.
Molecular consequence: missense variant.
Genome position (GRCh38, 1-based): chr16:67,658,588, T>C on the plus strand (A>G on the coding strand, the complement: ACD is on the minus strand). VCF-style: chr16-67658588-T-C. GRCh37 (hg19) VCF-style: chr16-67692491-T-C.
Other names: c.787A>G, p.Ile263Val (NM_022914.3); short protein forms I263V, I266V.
Identifiers: ClinVar variation 1778061 (VCV001778061.2), dbSNP rs1567640633, ClinGen allele CA396353217.